The following is an entry in ClinVar:

ClinVar aggregate classification (germline): Uncertain significance (1 of 4 stars; one submission).

gnomAD v4.1: 10 of 1,612,666 alleles (0.00062%); highest among the groups gnomAD compares: Admixed American, 0.015%; no homozygotes.

Submission:

Labcorp Genetics (formerly Invitae), Labcorp
Classification: Uncertain significance. Last evaluated: 2024-02-13. Review status: criteria provided, single submitter. Criteria: Invitae Variant Classification Sherloc (09022015). Collection method: clinical testing. Allele origin: germline.
Comment: This sequence change replaces arginine, which is basic and polar, with tryptophan, which is neutral and slightly polar, at codon 771 of the DLC1 protein (p.Arg771Trp). This variant is present in population databases (no rsID available, gnomAD 0.01%). This variant has not been reported in the literature in individuals affected with DLC1-related conditions. An algorithm developed to predict the effect of missense changes on protein structure and function (PolyPhen-2) suggests that this variant is likely to be disruptive. In summary, the available evidence is currently insufficient to determine the role of this variant in disease. Therefore, it has been classified as a Variant of Uncertain Significance.

NM_182643.3(DLC1):c.2311C>T (p.Arg771Trp)

Gene: DLC1 (DLC1 Rho GTPase activating protein; minus strand). Cytogenetic location: 8p22.
Variant type: single nucleotide variant.
Coding change: c.2311C>T on transcript NM_182643.3 (MANE Select); coding-DNA position 2311, C replaced by T.
Protein change: p.Arg771Trp; replaces arginine 771 with tryptophan.
Molecular consequence: missense variant.
Genome position (GRCh38, 1-based): chr8:13,100,026, G>A on the plus strand (C>T on the coding strand, the complement: DLC1 is on the minus strand). VCF-style: chr8-13100026-G-A. GRCh37 (hg19) VCF-style: chr8-12957535-G-A.
Other names: c.778C>T, p.Arg260Trp (NM_001164271.2, NM_001348082.2, NM_001348083.1 and 6 more transcripts); c.1102C>T, p.Arg368Trp (NM_001316668.2, NM_001413129.1); c.2311C>T, p.Arg771Trp (NM_001348081.2, NM_001413124.1); c.1093C>T, p.Arg365Trp (NM_001413130.1); c.751C>T, p.Arg251Trp (NM_001413131.1, NM_001413137.1); c.1237C>T, p.Arg413Trp (NM_001413132.1); c.1000C>T, p.Arg334Trp (NM_001413135.1, NM_001413136.1, NM_001413139.1 and 1 more transcripts); c.1135C>T, p.Arg379Trp (NM_001413140.1); short protein forms R368W, R251W, R365W, R260W, R379W, R771W, R334W, R413W.
Identifiers: ClinVar variation 3667839 (VCV003667839.2).
Genomic context (GRCh38, chr8:13,100,026, plus strand): 5'-CCACGTTGTTAAATGTTGACTGATTGAAAGGATCGAAGCCCTCTAAGTACATGCCCACCC[G>A]CTTGTTGCACGCACTGAGGCTCCGGGTCCTCGTAACAGGGCTGGGCGTGCTGACCGCGCT-3'
Protein context (NP_872584.2, residues 761-781): RTRSLSACNK[Arg771Trp]VGMYLEGFDP